The following is an entry in ClinVar:

NM_001184.4(ATR):c.4510C>T (p.His1504Tyr)

Gene: ATR (ATR checkpoint kinase; minus strand). Cytogenetic location: 3q23.
Variant type: single nucleotide variant.
Coding change: c.4510C>T on transcript NM_001184.4 (MANE Select); coding-DNA position 4510, C replaced by T.
Protein change: p.His1504Tyr; replaces histidine 1504 with tyrosine.
Molecular consequence: missense variant.
Genome position (GRCh38, 1-based): chr3:142,513,632, G>A on the plus strand (C>T on the coding strand, the complement: ATR is on the minus strand). VCF-style: chr3-142513632-G-A. GRCh37 (hg19) VCF-style: chr3-142232474-G-A.
Other names: c.4318C>T, p.His1440Tyr (NM_001354579.2); short protein forms H1440Y, H1504Y.
Identifiers: ClinVar variation 1014852 (VCV001014852.7), dbSNP rs374342162, ClinGen allele CA2649822.

ClinVar aggregate classification (germline): Uncertain significance (1 of 4 stars; one submission).

Allele frequency attached by ClinVar (database versions not stated): ExAC 0.00002; gnomAD 0.00002; ESP Exome Variant Server 0.00008; TOPMed 0.00001; gnomAD exomes 0.00001.
gnomAD v4.1: 24 of 1,613,492 alleles (0.0015%); highest among the groups gnomAD compares: Non-Finnish European, 0.0019%; no homozygotes.

Submission:

Labcorp Genetics (formerly Invitae), Labcorp
Classification: Uncertain significance. Last evaluated: 2025-09-20. Review status: criteria provided, single submitter. Criteria: Invitae Variant Classification Sherloc (09022015). Collection method: clinical testing. Allele origin: germline.
Comment: This sequence change replaces histidine, which is basic and polar, with tyrosine, which is neutral and polar, at codon 1504 of the ATR protein (p.His1504Tyr). This variant is present in population databases (rs374342162, gnomAD 0.004%). This variant has not been reported in the literature in individuals affected with ATR-related conditions. ClinVar contains an entry for this variant (Variation ID: 1014852). An algorithm developed to predict the effect of missense changes on protein structure and function (PolyPhen-2) suggests that this variant is likely to be disruptive. In summary, the available evidence is currently insufficient to determine the role of this variant in disease. Therefore, it has been classified as a Variant of Uncertain Significance.